The following is an entry in ClinVar:

NM_005869.4(CWC27):c.1116G>C (p.Lys372Asn)

Gene: CWC27 (CWC27 spliceosome associated cyclophilin; plus strand). Cytogenetic location: 5q12.3.
Variant type: single nucleotide variant.
Coding change: c.1116G>C on transcript NM_005869.4 (MANE Select); coding-DNA position 1116, G replaced by C.
Protein change: p.Lys372Asn; replaces lysine 372 with asparagine.
Molecular consequence: missense variant.
Genome position (GRCh38, 1-based): chr5:64,971,776, G>C. VCF-style: chr5-64971776-G-C. GRCh37 (hg19) VCF-style: chr5-64267603-G-C.
Other names: c.1116G>C, p.Lys372Asn (NM_001297644.1); short protein forms K372N.
Identifiers: ClinVar variation 2134683 (VCV002134683.4), dbSNP rs2531523357, ClinGen allele CA359963592.

ClinVar aggregate classification (germline): Uncertain significance (1 of 4 stars; one submission).

Submission:

Labcorp Genetics (formerly Invitae), Labcorp
Classification: Uncertain significance. Last evaluated: 2022-05-27. Review status: criteria provided, single submitter. Criteria: Invitae Variant Classification Sherloc (09022015). Collection method: clinical testing. Allele origin: germline.
Comment: This variant has not been reported in the literature in individuals affected with CWC27-related conditions. In summary, the available evidence is currently insufficient to determine the role of this variant in disease. Therefore, it has been classified as a Variant of Uncertain Significance. Algorithms developed to predict the effect of missense changes on protein structure and function are either unavailable or do not agree on the potential impact of this missense change (SIFT: "Deleterious"; PolyPhen-2: "Benign"; Align-GVGD: "Class C0"). This variant is not present in population databases (gnomAD no frequency). This sequence change replaces lysine, which is basic and polar, with asparagine, which is neutral and polar, at codon 372 of the CWC27 protein (p.Lys372Asn).